The following is an entry in ClinVar:

NM_003482.4(KMT2D):c.12862C>T (p.Arg4288Trp)

Gene: KMT2D (lysine methyltransferase 2D; minus strand). Cytogenetic location: 12q13.12.
Variant type: single nucleotide variant.
Coding change: c.12862C>T on transcript NM_003482.4 (MANE Select); coding-DNA position 12862, C replaced by T.
Protein change: p.Arg4288Trp; replaces arginine 4288 with tryptophan.
Molecular consequence: missense variant.
Genome position (GRCh38, 1-based): chr12:49,031,843, G>A on the plus strand (C>T on the coding strand, the complement: KMT2D is on the minus strand). VCF-style: chr12-49031843-G-A. GRCh37 (hg19) VCF-style: chr12-49425626-G-A.
Other names: c.12862C>T (NM_003482.3); short protein forms R4288W.
Identifiers: ClinVar variation 1599268 (VCV001599268.11), dbSNP rs542331667, ClinGen allele CA6546116.

ClinVar aggregate classification (germline): Conflicting classifications of pathogenicity. Review status: criteria provided, conflicting classifications (1 of 4 stars). 3 submissions from 3 submitters: Uncertain significance (1); Benign (1). 1 of the submissions does not count toward it. Last evaluated 2025-11-24.

Conditions:
Kabuki syndrome. Also called: NIIKAWA-KUROKI SYNDROME; Kabuki make-up syndrome. Identifiers: Orphanet 2322, MedGen C0796004, MONDO:0016512.
KMT2D-related disorder. Also called: KMT2D-Related Disorders.
Kabuki syndrome 1 (KABUK1). Also called: KMT2D-Related Kabuki Syndrome. Identifiers: Orphanet 2322, MedGen CN030661, MONDO:0007843, OMIM 147920.

Allele frequency attached by ClinVar (database versions not stated): ExAC 0.00008; gnomAD 0.00010 and 0.00007; 1000 Genomes Project 0.00060; 1000 Genomes Project 30x 0.00062; gnomAD exomes 0.00003 and 0.00004; TOPMed 0.00005.
gnomAD v4.1: 65 of 1,551,408 alleles (0.0042%); highest among the groups gnomAD compares: African/African-American, 0.016%; no homozygotes.

Submissions (3):

Labcorp Genetics (formerly Invitae), Labcorp
Classification: Benign for Kabuki syndrome. Last evaluated: 2025-11-24. Review status: criteria provided, single submitter. Criteria: Invitae Variant Classification Sherloc (09022015). Collection method: clinical testing. Allele origin: germline.

Genetics and Molecular Pathology, SA Pathology
Classification: Uncertain significance for Kabuki syndrome 1. Last evaluated: 2021-09-01. Review status: criteria provided, single submitter. Criteria: ACMG Guidelines, 2015. Collection method: clinical testing. Allele origin: germline. Inheritance: Autosomal dominant inheritance. Affected: yes.

PreventionGenetics, part of Exact Sciences
Classification: Likely benign for KMT2D-related condition. Last evaluated: 2022-02-15. Review status: no assertion criteria provided. Collection method: clinical testing. Allele origin: germline. Not counted in ClinVar's aggregate classification.
Comment: This variant is classified as likely benign based on ACMG/AMP sequence variant interpretation guidelines (Richards et al. 2015 PMID: 25741868, with internal and published modifications).